The following is an entry in ClinVar:

NM_182746.3(MCM4):c.190G>A (p.Ala64Thr)

Gene: MCM4 (minichromosome maintenance complex component 4; plus strand). Cytogenetic location: 8q11.21.
Variant type: single nucleotide variant.
Coding change: c.190G>A on transcript NM_182746.3 (MANE Select); coding-DNA position 190, G replaced by A.
Protein change: p.Ala64Thr; replaces alanine 64 with threonine.
Molecular consequence: missense variant.
Genome position (GRCh38, 1-based): chr8:47,961,635, G>A. VCF-style: chr8-47961635-G-A. GRCh37 (hg19) VCF-style: chr8-48874195-G-A.
Other names: c.190G>A, p.Ala64Thr (NM_005914.4); short protein forms A64T.
Identifiers: ClinVar variation 1347057 (VCV001347057.8), dbSNP rs1464698644, ClinGen allele CA371145026.

ClinVar aggregate classification (germline): Uncertain significance (1 of 4 stars; one submission).

Allele frequency attached by ClinVar (database versions not stated): gnomAD exomes below 0.00001.
gnomAD v4.1: 1 of 1,613,548 alleles (0.000062%); no homozygotes.

Submission:

Labcorp Genetics (formerly Invitae), Labcorp
Classification: Uncertain significance. Last evaluated: 2021-05-18. Review status: criteria provided, single submitter. Criteria: Invitae Variant Classification Sherloc (09022015). Collection method: clinical testing. Allele origin: germline.
Comment: In summary, the available evidence is currently insufficient to determine the role of this variant in disease. Therefore, it has been classified as a Variant of Uncertain Significance. Algorithms developed to predict the effect of missense changes on protein structure and function output the following: SIFT: "Tolerated"; PolyPhen-2: "Benign"; Align-GVGD: "Class C0". The threonine amino acid residue is found in multiple mammalian species, suggesting that this missense change does not adversely affect protein function. These predictions have not been confirmed by published functional studies and their clinical significance is uncertain. This variant has not been reported in the literature in individuals with MCM4-related conditions. This variant is not present in population databases (ExAC no frequency). This sequence change replaces alanine with threonine at codon 64 of the MCM4 protein (p.Ala64Thr). The alanine residue is moderately conserved and there is a small physicochemical difference between alanine and threonine.